The following is an entry in ClinVar:

ClinVar aggregate classification (germline): Uncertain significance. Review status: criteria provided, multiple submitters, no conflicts (2 of 4 stars). 4 submissions from 4 submitters: Uncertain significance (4). Last evaluated 2025-09-25.

Conditions:
Hereditary cancer-predisposing syndrome. Also called: Neoplastic Syndromes, Hereditary; Hereditary Cancer Syndrome; Hereditary neoplastic syndrome; Tumor predisposition. Identifiers: Orphanet 140162, MedGen C0027672, MeSH D009386, MONDO:0015356.
Patterned macular dystrophy 2. Identifiers: Orphanet 99001, MedGen C1837029, MONDO:0012162, OMIM 608970.

Submissions (4):

Ambry Genetics
Classification: Uncertain significance for Hereditary cancer-predisposing syndrome. Last evaluated: 2025-09-25. Review status: criteria provided, single submitter. Criteria: Ambry Variant Classification Scheme 2023. Collection method: clinical testing. Allele origin: germline.
Comment: The p.L18P variant (also known as c.53T>C), located in coding exon 1 of the CTNNA1 gene, results from a T to C substitution at nucleotide position 53. The leucine at codon 18 is replaced by proline, an amino acid with similar properties. This amino acid position is conserved. In addition, this alteration is predicted to be deleterious by in silico analysis. Since supporting evidence is limited at this time, the clinical significance of this alteration remains unclear.

Labcorp Genetics (formerly Invitae), Labcorp
Classification: Uncertain significance. Last evaluated: 2025-03-19. Review status: criteria provided, single submitter. Criteria: Invitae Variant Classification Sherloc (09022015). Collection method: clinical testing. Allele origin: germline.
Comment: This sequence change replaces leucine, which is neutral and non-polar, with proline, which is neutral and non-polar, at codon 18 of the CTNNA1 protein (p.Leu18Pro). This variant is not present in population databases (gnomAD no frequency). This variant has not been reported in the literature in individuals affected with CTNNA1-related conditions. ClinVar contains an entry for this variant (Variation ID: 1059063). Invitae Evidence Modeling of protein sequence and biophysical properties (such as structural, functional, and spatial information, amino acid conservation, physicochemical variation, residue mobility, and thermodynamic stability) indicates that this missense variant is expected to disrupt CTNNA1 protein function with a positive predictive value of 80%. In summary, the available evidence is currently insufficient to determine the role of this variant in disease. Therefore, it has been classified as a Variant of Uncertain Significance.

Fulgent Genetics
Classification: Uncertain significance for Patterned macular dystrophy 2. Last evaluated: 2024-05-02. Review status: criteria provided, single submitter. Criteria: ACMG Guidelines, 2015. Collection method: clinical testing. Allele origin: germline.

GeneDx
Classification: Uncertain significance. Last evaluated: 2023-11-25. Review status: criteria provided, single submitter. Criteria: GeneDx Variant Classification Process June 2021. Collection method: clinical testing. Allele origin: germline. Affected: yes.
Comment: Not observed at significant frequency in large population cohorts (gnomAD); In silico analysis supports that this missense variant has a deleterious effect on protein structure/function; Has not been previously published as pathogenic or benign to our knowledge

NM_001903.5(CTNNA1):c.53T>C (p.Leu18Pro)

Gene: CTNNA1 (catenin alpha 1; plus strand). Cytogenetic location: 5q31.2.
Variant type: single nucleotide variant.
Coding change: c.53T>C on transcript NM_001903.5 (MANE Select); coding-DNA position 53, T replaced by C.
Protein change: p.Leu18Pro; replaces leucine 18 with proline.
Molecular consequence: missense variant. On other transcripts: 5 prime UTR variant (2).
Genome position (GRCh38, 1-based): chr5:138,781,977, T>C. VCF-style: chr5-138781977-T-C. GRCh37 (hg19) VCF-style: chr5-138117666-T-C.
Other names: c.53T>C, p.Leu18Pro (NM_001290307.3, NM_001323982.2, NM_001323983.1 and 3 more transcripts); c.-61T>C (NM_001290309.3); c.-154T>C (NM_001290310.3); c.53T>C (NM_001903.3); short protein forms L18P.
Identifiers: ClinVar variation 1059063 (VCV001059063.12), dbSNP rs769832131, ClinGen allele CA361477137.